The following is an entry in ClinVar:

ClinVar aggregate classification (germline): Uncertain significance (1 of 4 stars; one submission).

Conditions:
Inborn genetic diseases. Identifiers: MedGen C0950123, MeSH D030342.

gnomAD v4.1: 3 of 1,613,308 alleles (0.00019%); highest among the groups gnomAD compares: Non-Finnish European, 0.00025%; no homozygotes.

Submission:

Ambry Genetics
Classification: Uncertain significance for Inborn genetic diseases. Last evaluated: 2025-06-26. Review status: criteria provided, single submitter. Criteria: Ambry Variant Classification Scheme 2023. Collection method: clinical testing. Allele origin: germline.
Comment: The p.A305S variant (also known as c.913G>T), located in coding exon 5 of the RECQL4 gene, results from a G to T substitution at nucleotide position 913. The alanine at codon 305 is replaced by serine, an amino acid with similar properties. This amino acid position is conserved. In addition, this alteration is predicted to be tolerated by in silico analysis. Based on the available evidence, the clinical significance of this variant remains unclear.

NM_004260.4(RECQL4):c.913G>T (p.Ala305Ser)

Gene: RECQL4 (RecQ like helicase 4; minus strand). Cytogenetic location: 8q24.3.
Variant type: single nucleotide variant.
Coding change: c.913G>T on transcript NM_004260.4 (MANE Select); coding-DNA position 913, G replaced by T.
Protein change: p.Ala305Ser; replaces alanine 305 with serine.
Molecular consequence: missense variant. On other transcripts: 5 prime UTR variant (17), non-coding transcript variant (3).
Genome position (GRCh38, 1-based): chr8:144,516,206, C>A on the plus strand (G>T on the coding strand, the complement: RECQL4 is on the minus strand). VCF-style: chr8-144516206-C-A. GRCh37 (hg19) VCF-style: chr8-145741590-C-A.
Other names: c.913G>T, p.Ala305Ser (NM_001413017.1, NM_001413018.1, NM_001413019.1 and 4 more transcripts); c.-159G>T (NM_001413021.1, NM_001413022.1, NM_001413023.1 and 7 more transcripts); c.784G>T, p.Ala262Ser (NM_001413025.1); c.-221G>T (NM_001413027.1, NM_001413030.1, NM_001413031.1 and 2 more transcripts); c.562G>T, p.Ala188Ser (NM_001413029.1); c.-63G>T (NM_001413034.1); c.-428G>T (NM_001413043.1); short protein forms A188S, A262S, A305S.
Identifiers: ClinVar variation 4152348 (VCV004152348.1).
Genomic context (GRCh38, chr8:144,516,206, plus strand): 5'-AGGGGCTGAGTCCGTGGTACCTGGGGTTCGATGGGCTGCTGCAGGGCTGAGGTGGCTGTG[C>A]CTGTACAGGTTCCCCTGGAGGGTCTTCCTCAACTGCTACAGCCCCAGCCCCCTCCGATGG-3'
Protein context (NP_004251.4, residues 295-315): EEDPPGEPVQ[Ala305Ser]QPPQPCSSPS